The following is an entry in ClinVar:

NM_002968.3(SALL1):c.3966C>G (p.Val1322=)

Gene: SALL1 (spalt like transcription factor 1; minus strand). Cytogenetic location: 16q12.1.
Variant type: single nucleotide variant.
Coding change: c.3966C>G on transcript NM_002968.3 (MANE Select); coding-DNA position 3966, C replaced by G.
Protein change: p.Val1322=; no amino-acid change (valine 1322 retained).
Molecular consequence: synonymous variant.
Genome position (GRCh38, 1-based): chr16:51,137,121, G>C on the plus strand (C>G on the coding strand, the complement: SALL1 is on the minus strand). VCF-style: chr16-51137121-G-C. GRCh37 (hg19) VCF-style: chr16-51171032-G-C.
Other names: c.3675C>G, p.Val1225= (NM_001127892.2).
Identifiers: ClinVar variation 3778528 (VCV003778528.7).

ClinVar aggregate classification (germline): Likely benign (1 of 4 stars; one submission).

Submission:

CeGaT Center for Human Genetics Tuebingen
Classification: Likely benign. Last evaluated: 2025-03-01. Review status: criteria provided, single submitter. Criteria: CeGaT Center For Human Genetics Tuebingen Variant Classification Criteria Version 2. Collection method: clinical testing. Allele origin: germline. Affected: yes. Observed: 1 variant allele.
Comment: SALL1: PM2:Supporting, BP4, BP7